The following is an entry in ClinVar:

NM_001009944.3(PKD1):c.9035C>T (p.Thr3012Met)

Gene: PKD1 (polycystin 1, transient receptor potential channel interacting; minus strand). Cytogenetic location: 16p13.3.
Variant type: single nucleotide variant.
Coding change: c.9035C>T on transcript NM_001009944.3 (MANE Select); coding-DNA position 9035, C replaced by T.
Protein change: p.Thr3012Met; replaces threonine 3012 with methionine.
Molecular consequence: missense variant.
Genome position (GRCh38, 1-based): chr16:2,102,547, G>A on the plus strand (C>T on the coding strand, the complement: PKD1 is on the minus strand). VCF-style: chr16-2102547-G-A. GRCh37 (hg19) VCF-style: chr16-2152548-G-A.
Other names: c.9035C>T, p.Thr3012Met (NM_000296.4); c.9035C>T (NM_001009944.2); short protein forms T3012M.
Identifiers: ClinVar variation 997165 (VCV000997165.5), dbSNP rs376160782, ClinGen allele CA7830213.

ClinVar aggregate classification (germline): Conflicting classifications of pathogenicity. Review status: criteria provided, conflicting classifications (1 of 4 stars). 4 submissions from 4 submitters: Uncertain significance (2); Likely benign (1). 1 of the submissions does not count toward it. Last evaluated 2025-09-03.

Conditions:
Polycystic kidney disease. Also called: Kidney, Polycystic; Polycystic kidney dysplasia. Identifiers: MedGen C0022680, MeSH D007690, MONDO:0020642, HP:0000113.
PKD1-related disorder. Also called: PKD1-related condition.

Allele frequency attached by ClinVar (database versions not stated): gnomAD 0.00009; TOPMed 0.00010; ExAC 0.00014; ESP Exome Variant Server 0.00015; gnomAD exomes 0.00015.
gnomAD v4.1: 157 of 1,610,486 alleles (0.0097%); highest among the groups gnomAD compares: Middle Eastern, 0.064%; 1 homozygote.

Submissions (4):

Women's Health and Genetics/Laboratory Corporation of America, LabCorp
Classification: Uncertain significance. Last evaluated: 2025-09-03. Review status: criteria provided, single submitter. Criteria: LabCorp Variant Classification Summary - May 2015. Collection method: clinical testing. Allele origin: germline.
Comment: Variant summary: PKD1 c.9035C>T (p.Thr3012Met) results in a non-conservative amino acid change in the encoded protein sequence. Algorithms developed to predict the effect of missense changes on protein structure and function are either unavailable or do not agree on the potential impact of this missense change. The variant allele was found at a frequency of 0.00015 in 247750 control chromosomes in the gnomAD database, including 1 homozygotes. This frequency is not significantly higher than estimated for disease-causing variants in PKD1, allowing no conclusion about variant significance. c.9035C>T has been observed in individual(s) affected with Polycystic Kidney Disease 1 (Schnauer_2020). These report(s) do not provide unequivocal conclusions about association of the variant with Polycystic Kidney Disease 1. To our knowledge, no experimental evidence demonstrating an impact on protein function has been reported. The following publication have been ascertained in the context of this evaluation (PMID: 32398770). ClinVar contains an entry for this variant (Variation ID: 997165). Based on the evidence outlined above, the variant was classified as uncertain significance.

PreventionGenetics, part of Exact Sciences
Classification: Uncertain significance for PKD1-related condition. Last evaluated: 2025-08-30. Review status: criteria provided, single submitter. Criteria: ACMG Guidelines, 2015. Collection method: clinical testing. Allele origin: germline.
Comment: The PKD1 c.9035C>T variant is predicted to result in the amino acid substitution p.Thr3012Met. This variant was reported in an individual with polycystic kidney disease (Table S2, Schönauer et al 2020. PubMed ID: 32398770). This variant is reported in 0.026% of alleles in individuals of European (Non-Finnish) descent in gnomAD, which is higher than expected for an autosomal dominant disorder. A similar missense variant impacting the same amino acid residue has also been reported in an individual with autosomal dominant polycystic kidney disease (Supplementary Table S6C, Kim et al 2019. PubMed ID: 31740684). Although we suspect that this variant may be benign, at this time, the clinical significance of this variant is uncertain due to the absence of conclusive functional and genetic evidence.

Blueprint Genetics
Classification: Likely benign. Last evaluated: 2024-09-18. Review status: criteria provided, single submitter. Criteria: ACMG Guidelines, 2015. Collection method: clinical testing. Allele origin: germline.

Department of Pathology and Laboratory Medicine, Sinai Health System
Classification: Likely benign for Polycystic Kidney disease. Review status: no assertion criteria provided. Collection method: clinical testing. Allele origin: unknown. Affected: yes. Study: The Canadian Open Genetics Repository (COGR). Not counted in ClinVar's aggregate classification.
Comment: The PKD1 p.Thr3012Met variant was not identified in the literature nor was it identified in the ClinVar. The variant was identified in dbSNP (ID: rs376160782) as â€šÃ„ÃºNAâ€šÃ„Ã¹, LOVD 3.0 (1x), ADPKD Mutation Database (classified as indeterminate), and PKD1-LOVD (1X co-occurring with PKD2 c.2845delT/p.Ser949Profs). The variant was also identified in control databases in 36 (1 homozygous) of 274758 chromosomes at a frequency of 0.0001 increasing the likelihood this could be a low frequency benign variant (Genome Aggregation Database Feb 27, 2017), observed in the following populations: African in 1 of 23704 chromosomes (freq: 0.00004), Other in 1 of 6410 chromosomes (freq: 0.0002), Latino in 1 of 34334 chromosomes (freq: 0.00003), European Non-Finnish in 30 (1 homozygous) of 125060 chromosomes (freq: 0.0002), Ashkenazi Jewish in 1 of 10082 chromosomes (freq: 0.0001), and South Asian in 2 of 30710 chromosomes (freq: 0.00007) while not observed in the East Asian, and European Finnish populations. In addition we cannot be certain that data from control databases is specific to PKD1 and not from one of the six PKD1 pseudogenes. The p.Thr3012 residue is conserved in mammals and computational analyses (PolyPhen-2, SIFT, AlignGVGD, BLOSUM, MutationTaster) provide inconsistent predictions regarding the impact to the protein; this information is not very predictive of pathogenicity. The variant occurs outside of the splicing consensus sequence and in silico or computational prediction software programs (SpliceSiteFinder, MaxEntScan, NNSPLICE, GeneSplicer) do not predict a difference in splicing. In summary, based on the above information the clinical significance of this variant cannot be determined with certainty at this time although we would lean towards a more benign role for this variant. This variant is classified as likely benign.

Literature cited by the submitters: PubMed 32398770 (cited by Women's Health and Genetics/Laboratory Corporation of America, LabCorp).